The following is an entry in ClinVar:

NM_000218.3(KCNQ1):c.821T>A (p.Ile274Asn)

Gene: KCNQ1 (potassium voltage-gated channel subfamily Q member 1; plus strand). Cytogenetic location: 11p15.5.
Variant type: single nucleotide variant.
Coding change: c.821T>A on transcript NM_000218.3 (MANE Select); coding-DNA position 821, T replaced by A.
Protein change: p.Ile274Asn; replaces isoleucine 274 with asparagine.
Molecular consequence: missense variant.
Genome position (GRCh38, 1-based): chr11:2,572,886, T>A. VCF-style: chr11-2572886-T-A. GRCh37 (hg19) VCF-style: chr11-2594116-T-A.
Other names: c.821T>A, p.Ile274Asn (NM_001406836.1); c.551T>A, p.Ile184Asn (NM_001406837.1); c.440T>A, p.Ile147Asn (NM_181798.2); short protein forms I147N, I184N, I274N.
Identifiers: ClinVar variation 1711271 (VCV001711271.30), dbSNP rs2493673906, ClinGen allele CA379131392.

ClinVar aggregate classification (germline): Likely pathogenic (1 of 4 stars; one submission).

Submission:

CeGaT Center for Human Genetics Tuebingen
Classification: Likely pathogenic. Last evaluated: 2022-08-01. Review status: criteria provided, single submitter. Criteria: CeGaT Center For Human Genetics Tuebingen Variant Classification Criteria Version 2. Collection method: clinical testing. Allele origin: germline. Affected: yes. Observed: 1 variant allele.
Comment: KCNQ1: PM2, PS4:Moderate, PP3, PP4